The following is an entry in ClinVar:

NM_002485.5(NBN):c.1365C>G (p.Ile455Met)

Gene: NBN (nibrin; minus strand). Cytogenetic location: 8q21.3.
Variant type: single nucleotide variant.
Coding change: c.1365C>G on transcript NM_002485.5 (MANE Select); coding-DNA position 1365, C replaced by G.
Protein change: p.Ile455Met; replaces isoleucine 455 with methionine.
Molecular consequence: missense variant.
Genome position (GRCh38, 1-based): chr8:89,955,315, G>C on the plus strand (C>G on the coding strand, the complement: NBN is on the minus strand). VCF-style: chr8-89955315-G-C. GRCh37 (hg19) VCF-style: chr8-90967543-G-C.
Other names: c.1119C>G, p.Ile373Met (NM_001024688.3); short protein forms I373M, I455M.
Identifiers: ClinVar variation 863402 (VCV000863402.7), dbSNP rs1810649752, ClinGen allele CA371656020.

ClinVar aggregate classification (germline): Uncertain significance (1 of 4 stars; one submission).

Conditions:
Microcephaly, normal intelligence and immunodeficiency (NBS). Also called: IMMUNODEFICIENCY, MICROCEPHALY, AND CHROMOSOMAL INSTABILITY; SEEMANOVA SYNDROME II; Nijmegen breakage syndrome; Microcephaly with normal intelligence immunodeficiency and lymphoreticular malignancies; Nonsyndromal microcephaly autosomal recessive with normal intelligence; Seemanova syndrome 2. Identifiers: Orphanet 647, MedGen C0398791, MONDO:0009623, OMIM 251260.

Submission:

Labcorp Genetics (formerly Invitae), Labcorp
Classification: Uncertain significance for Microcephaly, normal intelligence and immunodeficiency. Last evaluated: 2021-09-01. Review status: criteria provided, single submitter. Criteria: Invitae Variant Classification Sherloc (09022015). Collection method: clinical testing. Allele origin: germline.
Comment: This sequence change replaces isoleucine with methionine at codon 455 of the NBN protein (p.Ile455Met). The isoleucine residue is moderately conserved and there is a small physicochemical difference between isoleucine and methionine. This variant is not present in population databases (ExAC no frequency). This variant has not been reported in the literature in individuals affected with NBN-related conditions. ClinVar contains an entry for this variant (Variation ID: 863402). Algorithms developed to predict the effect of missense changes on protein structure and function are either unavailable or do not agree on the potential impact of this missense change (SIFT: "Tolerated"; PolyPhen-2: "Probably Damaging"; Align-GVGD: "Class C0"). In summary, the available evidence is currently insufficient to determine the role of this variant in disease. Therefore, it has been classified as a Variant of Uncertain Significance.